The following is an entry in ClinVar:

NM_015202.5(KATNIP):c.2051C>A (p.Ser684Tyr)

Gene: KATNIP (katanin interacting protein; plus strand). Cytogenetic location: 16p12.1.
Variant type: single nucleotide variant.
Coding change: c.2051C>A on transcript NM_015202.5 (MANE Select); coding-DNA position 2051, C replaced by A.
Protein change: p.Ser684Tyr; replaces serine 684 with tyrosine.
Molecular consequence: missense variant.
Genome position (GRCh38, 1-based): chr16:27,740,348, C>A. VCF-style: chr16-27740348-C-A. GRCh37 (hg19) VCF-style: chr16-27751669-C-A.
Other names: c.2051C>A (NM_015202.3); short protein forms S684Y.
Identifiers: ClinVar variation 727849 (VCV000727849.13), dbSNP rs144244281, ClinGen allele CA7977884.

ClinVar aggregate classification (germline): Conflicting classifications of pathogenicity. Review status: criteria provided, conflicting classifications (1 of 4 stars). 5 submissions from 5 submitters: Uncertain significance (1); Likely benign (3). 1 of the submissions does not count toward it. Last evaluated 2025-05-12.

Conditions:
KATNIP-related disorder. Also called: KATNIP-related condition.

Allele frequency attached by ClinVar (database versions not stated): gnomAD exomes 0.00010 and 0.00029; ExAC 0.00035; 1000 Genomes Project 30x 0.00078; 1000 Genomes Project 0.00080; gnomAD 0.00123 and 0.00131; TOPMed 0.00130; ESP Exome Variant Server 0.00200.
gnomAD v4.1: 327 of 1,614,216 alleles (0.02%); highest among the groups gnomAD compares: African/African-American, 0.41%; no homozygotes.

Submissions (5):

Labcorp Genetics (formerly Invitae), Labcorp
Classification: Likely benign. Last evaluated: 2025-05-12. Review status: criteria provided, single submitter. Criteria: Invitae Variant Classification Sherloc (09022015). Collection method: clinical testing. Allele origin: germline.

Blueprint Genetics
Classification: Likely benign. Last evaluated: 2024-09-11. Review status: criteria provided, single submitter. Criteria: ACMG Guidelines, 2015. Collection method: clinical testing. Allele origin: germline.

Women's Health and Genetics/Laboratory Corporation of America, LabCorp
Classification: Uncertain significance. Last evaluated: 2023-11-27. Review status: criteria provided, single submitter. Criteria: LabCorp Variant Classification Summary - May 2015. Collection method: clinical testing. Allele origin: germline.
Comment: Variant summary: KIAA0556 c.2051C>A (p.Ser684Tyr) results in a non-conservative amino acid change in the encoded protein sequence. Three of five in-silico tools predict a damaging effect of the variant on protein function. The variant allele was found at a frequency of 0.00029 in 251230 control chromosomes, predominantly at a frequency of 0.0041 within the African or African-American subpopulation in the gnomAD database. To our knowledge, no occurrence of c.2051C>A in individuals affected with Joubert Syndrome 26 and no experimental evidence demonstrating its impact on protein function have been reported. One submitter has cited clinical-significance assessments for this variant to ClinVar after 2014 and has classified the variant as likely benign. Based on the evidence outlined above, the variant was classified as uncertain significance.

Ambry Genetics
Classification: Likely benign. Last evaluated: 2021-11-12. Review status: criteria provided, single submitter. Criteria: Ambry Variant Classification Scheme 2023. Collection method: clinical testing. Allele origin: germline.

PreventionGenetics, part of Exact Sciences
Classification: Likely benign for KATNIP-related condition. Last evaluated: 2024-08-08. Review status: no assertion criteria provided. Collection method: clinical testing. Allele origin: germline. Not counted in ClinVar's aggregate classification.
Comment: This variant is classified as likely benign based on ACMG/AMP sequence variant interpretation guidelines (Richards et al. 2015 PMID: 25741868, with internal and published modifications).